The following is an entry in ClinVar:

NM_001927.4(DES):c.1365del (p.Asp455fs)

Gene: DES (desmin; plus strand). Cytogenetic location: 2q35.
Variant type: Deletion.
Coding change: c.1365del on transcript NM_001927.4 (MANE Select); coding-DNA position 1365, one base deleted (T; older notation c.1365delT).
Protein change: p.Asp455fs; shifts the reading frame from aspartic acid 455.
Molecular consequence: frameshift variant.
Genome position (GRCh38, 1-based): chr2:219,425,739, T deleted. VCF-style (leftmost placement, unchanged base first): chr2-219425738-AT-A. GRCh37 (hg19) VCF-style: chr2-220290460-AT-A.
Other names: c.1362del, p.Asp454fs (NM_001382708.1); c.933del, p.Asp311fs (NM_001382709.1); c.1296del, p.Asp432fs (NM_001382710.1); c.1344del, p.Asp448fs (NM_001382711.1); c.1365del, p.Asp455fs (NM_001382712.1); c.1095del, p.Asp365fs (NM_001382713.1); short protein forms D311fs, D365fs, D432fs, D448fs, D454fs, D455fs.
Identifiers: ClinVar variation 3757473 (VCV003757473.2).
Genomic context (GRCh38, chr2:219,425,738, plus strand): 5'-AAAGGGGTTCTGAGGTCCATACCAAGAAGACGGTGATGATCAAGACCATCGAGACACGGG[AT>A]GGGGAGGTAAGTGGTCTGTCTGGGCTCCTTACCCTTGGTGGGGGCTATGGATGTGTCTGG-3'

ClinVar aggregate classification (germline): Uncertain significance (1 of 4 stars; one submission).

Conditions:
Desmin-related myofibrillar myopathy (MFM1). Also called: Desminopathy; Desmin related myopathy (former name); Desmin storage myopathy (former name); MYOFIBRILLAR MYOPATHY WITH ARRHYTHMOGENIC RIGHT VENTRICULAR CARDIOMYOPATHY; DESMIN-RELATED MYOPATHY WITH ARRHYTHMOGENIC RIGHT VENTRICULAR CARDIOMYOPATHY; Myofibrillar myopathy 1. Identifiers: Orphanet 363543, Orphanet 98909, MedGen C1832370, MONDO:0011076, OMIM 601419.

Submission:

Labcorp Genetics (formerly Invitae), Labcorp
Classification: Uncertain significance for Desmin-related myofibrillar myopathy. Last evaluated: 2024-07-30. Review status: criteria provided, single submitter. Criteria: Invitae Variant Classification Sherloc (09022015). Collection method: clinical testing. Allele origin: germline.
Comment: This sequence change results in a frameshift in the DES gene (p.Asp455Glufs*36). While this is not anticipated to result in nonsense mediated decay, it is expected to disrupt the last 16 amino acid(s) of the DES protein and extend the protein by 19 additional amino acid residues. This variant is not present in population databases (gnomAD no frequency). This variant has not been reported in the literature in individuals affected with DES-related conditions. Experimental studies and prediction algorithms are not available or were not evaluated, and the functional significance of this variant is currently unknown. In summary, the available evidence is currently insufficient to determine the role of this variant in disease. Therefore, it has been classified as a Variant of Uncertain Significance.